The following is an entry in ClinVar:

ClinVar aggregate classification (germline): Uncertain significance (1 of 4 stars; one submission).

Conditions:
Cardiovascular phenotype. Identifiers: MedGen CN230736.

Allele frequency attached by ClinVar (database versions not stated): TOPMed below 0.00001; gnomAD 0.00001.

Submission:

Ambry Genetics
Classification: Uncertain significance for Cardiovascular phenotype. Last evaluated: 2025-04-12. Review status: criteria provided, single submitter. Criteria: Ambry Variant Classification Scheme 2023. Collection method: clinical testing. Allele origin: germline.
Comment: The p.R82H variant (also known as c.245G>A), located in coding exon 1 of the HCN4 gene, results from a G to A substitution at nucleotide position 245. The arginine at codon 82 is replaced by histidine, an amino acid with highly similar properties. This amino acid position is well conserved in available vertebrate species. In addition, the in silico prediction for this alteration is inconclusive. Since supporting evidence is limited at this time, the clinical significance of this alteration remains unclear.

NM_005477.3(HCN4):c.245G>A (p.Arg82His)

Gene: HCN4 (hyperpolarization activated cyclic nucleotide gated potassium channel 4; minus strand). Cytogenetic location: 15q24.1.
Variant type: single nucleotide variant.
Coding change: c.245G>A on transcript NM_005477.3 (MANE Select); coding-DNA position 245, G replaced by A.
Protein change: p.Arg82His; replaces arginine 82 with histidine.
Molecular consequence: missense variant.
Genome position (GRCh38, 1-based): chr15:73,368,026, C>T on the plus strand (G>A on the coding strand, the complement: HCN4 is on the minus strand). VCF-style: chr15-73368026-C-T. GRCh37 (hg19) VCF-style: chr15-73660367-C-T.
Other names: short protein forms R82H.
Identifiers: ClinVar variation 518656 (VCV000518656.6), dbSNP rs1170776732, ClinGen allele CA393098608.